The following is an entry in ClinVar:

NM_020806.5(GPHN):c.523A>G (p.Lys175Glu)

Gene: GPHN (gephyrin; plus strand). Cytogenetic location: 14q23.3.
Variant type: single nucleotide variant.
Coding change: c.523A>G on transcript NM_020806.5 (MANE Select); coding-DNA position 523, A replaced by G.
Protein change: p.Lys175Glu; replaces lysine 175 with glutamic acid.
Molecular consequence: missense variant.
Genome position (GRCh38, 1-based): chr14:66,922,732, A>G. VCF-style: chr14-66922732-A-G. GRCh37 (hg19) VCF-style: chr14-67389449-A-G.
Other names: c.523A>G, p.Lys175Glu (NM_001377517.1, NM_001377518.1, NM_001024218.2 and 2 more transcripts); c.562A>G, p.Lys188Glu (NM_001377519.1, NM_001377514.1); short protein forms K188E, K175E.
Identifiers: ClinVar variation 3654773 (VCV003654773.2).
Genomic context (GRCh38, chr14:66,922,732, plus strand): 5'-TTTCAATTCATACTGCCAGCTCTACCTCATGCCATTGACCTTTTACGTGATGCCATTGTA[A>G]AAGTAAAGGAGGTGCATGATGAACTTGAAGATTTGCCTTCCCCACCTCCCCCTCTTTCCC-3'
Protein context (NP_065857.1, residues 165-185): AIDLLRDAIV[Lys175Glu]VKEVHDELED

ClinVar aggregate classification (germline): Uncertain significance (1 of 4 stars; one submission).

Conditions:
Sulfite oxidase deficiency due to molybdenum cofactor deficiency type C. Also called: Molybdenum cofactor deficiency, complementation group C; Molybdenum cofactor deficiency C. Identifiers: Orphanet 308400, Orphanet 833, MedGen C1854990, MONDO:0014212, OMIM 615501.

Submission:

Labcorp Genetics (formerly Invitae), Labcorp
Classification: Uncertain significance for Sulfite oxidase deficiency due to molybdenum cofactor deficiency type C. Last evaluated: 2024-07-01. Review status: criteria provided, single submitter. Criteria: Invitae Variant Classification Sherloc (09022015). Collection method: clinical testing. Allele origin: germline.
Comment: This sequence change replaces lysine, which is basic and polar, with glutamic acid, which is acidic and polar, at codon 175 of the GPHN protein (p.Lys175Glu). This variant is not present in population databases (gnomAD no frequency). This variant has not been reported in the literature in individuals affected with GPHN-related conditions. Advanced modeling of protein sequence and biophysical properties (such as structural, functional, and spatial information, amino acid conservation, physicochemical variation, residue mobility, and thermodynamic stability) performed at Invitae indicates that this missense variant is not expected to disrupt GPHN protein function with a negative predictive value of 80%. In summary, the available evidence is currently insufficient to determine the role of this variant in disease. Therefore, it has been classified as a Variant of Uncertain Significance.